The following is an entry in ClinVar:

ClinVar aggregate classification (germline): Uncertain significance (1 of 4 stars; one submission).

Allele frequency attached by ClinVar (database versions not stated): gnomAD exomes 0.00002 and 0.00004; gnomAD 0.00003; ExAC 0.00006; 1000 Genomes Project 0.00020; 1000 Genomes Project 30x 0.00031.
gnomAD v4.1: 37 of 1,613,792 alleles (0.0023%); highest among the groups gnomAD compares: South Asian, 0.04%; no homozygotes.

Submission:

Labcorp Genetics (formerly Invitae), Labcorp
Classification: Uncertain significance. Last evaluated: 2022-08-09. Review status: criteria provided, single submitter. Criteria: Invitae Variant Classification Sherloc (09022015). Collection method: clinical testing. Allele origin: germline.
Comment: This sequence change replaces serine, which is neutral and polar, with phenylalanine, which is neutral and non-polar, at codon 16 of the NSMCE2 protein (p.Ser16Phe). This variant is present in population databases (rs542612591, gnomAD 0.03%). This variant has not been reported in the literature in individuals affected with NSMCE2-related conditions. ClinVar contains an entry for this variant (Variation ID: 1512116). Algorithms developed to predict the effect of missense changes on protein structure and function output the following: SIFT: "Deleterious"; PolyPhen-2: "Possibly Damaging"; Align-GVGD: "Class C0". The phenylalanine amino acid residue is found in multiple mammalian species, which suggests that this missense change does not adversely affect protein function. In summary, the available evidence is currently insufficient to determine the role of this variant in disease. Therefore, it has been classified as a Variant of Uncertain Significance.

NM_173685.4(NSMCE2):c.47C>T (p.Ser16Phe)

Gene: NSMCE2 (NSE2 (MMS21) homolog, SMC5-SMC6 complex SUMO ligase; plus strand). Cytogenetic location: 8q24.13.
Variant type: single nucleotide variant.
Coding change: c.47C>T on transcript NM_173685.4 (MANE Select); coding-DNA position 47, C replaced by T.
Protein change: p.Ser16Phe; replaces serine 16 with phenylalanine.
Molecular consequence: missense variant. On other transcripts: non-coding transcript variant (2).
Genome position (GRCh38, 1-based): chr8:125,102,377, C>T. VCF-style: chr8-125102377-C-T. GRCh37 (hg19) VCF-style: chr8-126114619-C-T.
Other names: c.47C>T, p.Ser16Phe (NM_001349485.2, NM_001349486.2, NM_001349487.2); short protein forms S16F.
Identifiers: ClinVar variation 1512116 (VCV001512116.3), dbSNP rs542612591, ClinGen allele CA4874261.